The following is an entry in ClinVar:

NM_005560.6(LAMA5):c.6368G>A (p.Arg2123His)

Gene: LAMA5 (laminin subunit alpha 5; minus strand). Cytogenetic location: 20q13.33.
Variant type: single nucleotide variant.
Coding change: c.6368G>A on transcript NM_005560.6 (MANE Select); coding-DNA position 6368, G replaced by A.
Protein change: p.Arg2123His; replaces arginine 2123 with histidine.
Molecular consequence: missense variant.
Genome position (GRCh38, 1-based): chr20:62,322,147, C>T on the plus strand (G>A on the coding strand, the complement: LAMA5 is on the minus strand). VCF-style: chr20-62322147-C-T. GRCh37 (hg19) VCF-style: chr20-60897203-C-T.
Other names: c.6368G>A (NM_005560.4); short protein forms R2123H.
Identifiers: ClinVar variation 1531025 (VCV001531025.28), dbSNP rs374836875, ClinGen allele CA9941775.

ClinVar aggregate classification (germline): Benign/Likely benign. Review status: criteria provided, multiple submitters, no conflicts (2 of 4 stars). 3 submissions from 3 submitters: Benign (1); Likely benign (1). 1 of the submissions does not count toward it. Last evaluated 2025-08-06.

Conditions:
LAMA5-related disorder. Also called: LAMA5-Related Disorders; LAMA5-related condition.

Allele frequency attached by ClinVar (database versions not stated): ESP Exome Variant Server 0.00008; gnomAD 0.00019 and 0.00025; TOPMed 0.00019; 1000 Genomes Project 30x 0.00031; 1000 Genomes Project 0.00040; gnomAD exomes 0.00043 and 0.00058; ExAC 0.00085.
gnomAD v4.1: 665 of 1,598,372 alleles (0.042%); highest among the groups gnomAD compares: South Asian, 0.37%; 4 homozygotes.

Submissions (3):

Labcorp Genetics (formerly Invitae), Labcorp
Classification: Benign. Last evaluated: 2025-08-06. Review status: criteria provided, single submitter. Criteria: Invitae Variant Classification Sherloc (09022015). Collection method: clinical testing. Allele origin: germline.

CeGaT Center for Human Genetics Tuebingen
Classification: Likely benign. Last evaluated: 2024-05-01. Review status: criteria provided, single submitter. Criteria: CeGaT Center For Human Genetics Tuebingen Variant Classification Criteria Version 2. Collection method: clinical testing. Allele origin: germline. Affected: yes. Observed: 1 variant allele.
Comment: LAMA5: BP4, BS2

PreventionGenetics, part of Exact Sciences
Classification: Likely benign for LAMA5-related condition. Last evaluated: 2021-12-13. Review status: no assertion criteria provided. Collection method: clinical testing. Allele origin: germline. Not counted in ClinVar's aggregate classification.
Comment: This variant is classified as likely benign based on ACMG/AMP sequence variant interpretation guidelines (Richards et al. 2015 PMID: 25741868, with internal and published modifications).